The following is an entry in ClinVar:

NM_007254.4(PNKP):c.622G>C (p.Ala208Pro)

Gene: PNKP (polynucleotide kinase 3'-phosphatase; minus strand). Cytogenetic location: 19q13.33.
Variant type: single nucleotide variant.
Coding change: c.622G>C on transcript NM_007254.4 (MANE Select); coding-DNA position 622, G replaced by C.
Protein change: p.Ala208Pro; replaces alanine 208 with proline.
Molecular consequence: missense variant.
Genome position (GRCh38, 1-based): chr19:49,864,193, C>G on the plus strand (G>C on the coding strand, the complement: PNKP is on the minus strand). VCF-style: chr19-49864193-C-G. GRCh37 (hg19) VCF-style: chr19-50367450-C-G.
Other names: short protein forms A208P.
Identifiers: ClinVar variation 2153681 (VCV002153681.4), dbSNP rs766637329, ClinGen allele CA406886642.

ClinVar aggregate classification (germline): Uncertain significance (1 of 4 stars; one submission).

Conditions:
Developmental and epileptic encephalopathy, 12 (DEE12). Identifiers: MedGen C3150988, MONDO:0013389, OMIM 613722.

Submission:

Labcorp Genetics (formerly Invitae), Labcorp
Classification: Uncertain significance for Developmental and epileptic encephalopathy, 12. Last evaluated: 2025-07-14. Review status: criteria provided, single submitter. Criteria: Invitae Variant Classification Sherloc (09022015). Collection method: clinical testing. Allele origin: germline.
Comment: This sequence change replaces alanine, which is neutral and non-polar, with proline, which is neutral and non-polar, at codon 208 of the PNKP protein (p.Ala208Pro). This variant is not present in population databases (gnomAD no frequency). This variant has not been reported in the literature in individuals affected with PNKP-related conditions. ClinVar contains an entry for this variant (Variation ID: 2153681). Invitae Evidence Modeling of protein sequence and biophysical properties (such as structural, functional, and spatial information, amino acid conservation, physicochemical variation, residue mobility, and thermodynamic stability) indicates that this missense variant is not expected to disrupt PNKP protein function with a negative predictive value of 80%. In summary, the available evidence is currently insufficient to determine the role of this variant in disease. Therefore, it has been classified as a Variant of Uncertain Significance.